The following is an entry in ClinVar:

ClinVar aggregate classification (germline): Uncertain significance. Review status: criteria provided, multiple submitters, no conflicts (2 of 4 stars). 2 submissions from 2 submitters: Uncertain significance (2). Last evaluated 2025-09-10.

Conditions:
Inborn genetic diseases. Identifiers: MedGen C0950123, MeSH D030342.

Allele frequency attached by ClinVar (database versions not stated): gnomAD exomes below 0.00001; gnomAD 0.00001; TOPMed 0.00002.
gnomAD v4.1: 6 of 1,612,770 alleles (0.00037%); highest among the groups gnomAD compares: East Asian, 0.0022%; no homozygotes.

Submissions (2):

Ambry Genetics
Classification: Uncertain significance for Inborn genetic diseases. Last evaluated: 2025-09-10. Review status: criteria provided, single submitter. Criteria: Ambry Variant Classification Scheme 2023. Collection method: clinical testing. Allele origin: germline.

Labcorp Genetics (formerly Invitae), Labcorp
Classification: Uncertain significance. Last evaluated: 2023-11-27. Review status: criteria provided, single submitter. Criteria: Invitae Variant Classification Sherloc (09022015). Collection method: clinical testing. Allele origin: germline.
Comment: This sequence change replaces asparagine, which is neutral and polar, with aspartic acid, which is acidic and polar, at codon 532 of the GATAD2B protein (p.Asn532Asp). This variant is not present in population databases (gnomAD no frequency). This variant has not been reported in the literature in individuals affected with GATAD2B-related conditions. Advanced modeling of protein sequence and biophysical properties (such as structural, functional, and spatial information, amino acid conservation, physicochemical variation, residue mobility, and thermodynamic stability) performed at Invitae indicates that this missense variant is expected to disrupt GATAD2B protein function with a positive predictive value of 80%. In summary, the available evidence is currently insufficient to determine the role of this variant in disease. Therefore, it has been classified as a Variant of Uncertain Significance.

NM_020699.4(GATAD2B):c.1594A>G (p.Asn532Asp)

Gene: GATAD2B (GATA zinc finger domain containing 2B; minus strand). Cytogenetic location: 1q21.3.
Variant type: single nucleotide variant.
Coding change: c.1594A>G on transcript NM_020699.4 (MANE Select); coding-DNA position 1594, A replaced by G.
Protein change: p.Asn532Asp; replaces asparagine 532 with aspartic acid.
Molecular consequence: missense variant.
Genome position (GRCh38, 1-based): chr1:153,811,785, T>C on the plus strand (A>G on the coding strand, the complement: GATAD2B is on the minus strand). VCF-style: chr1-153811785-T-C. GRCh37 (hg19) VCF-style: chr1-153784261-T-C.
Other names: c.1594A>G (NM_020699.2); short protein forms N532D.
Identifiers: ClinVar variation 2967473 (VCV002967473.4), dbSNP rs894154569, ClinGen allele CA30754963.
Genomic context (GRCh38, chr1:153,811,785, plus strand): 5'-TCTTACCTGGCATACCAAGGAGGCCACCTGGCACAGACAACTGGGGTGCCTGTGCAAAGT[T>C]TGAAAGCATGGAGCGGGCAGATGTGGGTATGCCACGCTGGAGGCTGCTCTGGGGCTGTGG-3'
Protein context (NP_065750.1, residues 522-542): IPTSARSMLS[Asn532Asp]FAQAPQLSVP